The following is an entry in ClinVar:

NM_004994.3(MMP9):c.1130C>T (p.Ser377Leu)

Gene: MMP9 (matrix metallopeptidase 9; plus strand). Cytogenetic location: 20q13.12.
Variant type: single nucleotide variant.
Coding change: c.1130C>T on transcript NM_004994.3 (MANE Select); coding-DNA position 1130, C replaced by T.
Protein change: p.Ser377Leu; replaces serine 377 with leucine.
Molecular consequence: missense variant.
Genome position (GRCh38, 1-based): chr20:46,012,269, C>T. VCF-style: chr20-46012269-C-T. GRCh37 (hg19) VCF-style: chr20-44640908-C-T.
Other names: c.1130C>T (NM_004994.2); short protein forms S377L.
Identifiers: ClinVar variation 2065247 (VCV002065247.5), dbSNP rs202242171, ClinGen allele CA9886626.

ClinVar aggregate classification (germline): Uncertain significance. Review status: criteria provided, multiple submitters, no conflicts (2 of 4 stars). 2 submissions from 2 submitters: Uncertain significance (2). Last evaluated 2025-06-23.

Allele frequency attached by ClinVar (database versions not stated): gnomAD 0.00005; TOPMed 0.00005; ExAC 0.00007; gnomAD exomes 0.00010; ESP Exome Variant Server 0.00015.

Submissions (2):

Labcorp Genetics (formerly Invitae), Labcorp
Classification: Uncertain significance. Last evaluated: 2025-06-23. Review status: criteria provided, single submitter. Criteria: Invitae Variant Classification Sherloc (09022015). Collection method: clinical testing. Allele origin: germline.
Comment: This sequence change replaces serine, which is neutral and polar, with leucine, which is neutral and non-polar, at codon 377 of the MMP9 protein (p.Ser377Leu). This variant is present in population databases (rs202242171, gnomAD 0.02%). This variant has not been reported in the literature in individuals affected with MMP9-related conditions. ClinVar contains an entry for this variant (Variation ID: 2065247). Invitae Evidence Modeling of protein sequence and biophysical properties (such as structural, functional, and spatial information, amino acid conservation, physicochemical variation, residue mobility, and thermodynamic stability) indicates that this missense variant is not expected to disrupt MMP9 protein function with a negative predictive value of 80%. In summary, the available evidence is currently insufficient to determine the role of this variant in disease. Therefore, it has been classified as a Variant of Uncertain Significance.

Ambry Genetics
Classification: Uncertain significance. Last evaluated: 2025-04-07. Review status: criteria provided, single submitter. Criteria: Ambry Variant Classification Scheme 2023. Collection method: clinical testing. Allele origin: germline.